The following is an entry in ClinVar:

NM_004415.4(DSP):c.3877A>G (p.Ile1293Val)

Gene: DSP (desmoplakin; plus strand). Cytogenetic location: 6p24.3.
Variant type: single nucleotide variant.
Coding change: c.3877A>G on transcript NM_004415.4 (MANE Select); coding-DNA position 3877, A replaced by G.
Protein change: p.Ile1293Val; replaces isoleucine 1293 with valine.
Molecular consequence: missense variant. On other transcripts: intron variant (1).
Genome position (GRCh38, 1-based): chr6:7,580,067, A>G. VCF-style: chr6-7580067-A-G. GRCh37 (hg19) VCF-style: chr6-7580300-A-G.
Other names: c.3877A>G (LRG_423t1, NM_004415.3); c.3877A>G, p.Ile1293Val (NM_001319034.2); c.3582+295A>G (NM_001008844.3); short protein forms I1293V.
Identifiers: ClinVar variation 263657 (VCV000263657.25), dbSNP rs376555665, ClinGen allele CA039408.

ClinVar aggregate classification (germline): Conflicting classifications of pathogenicity. Review status: criteria provided, conflicting classifications (1 of 4 stars). 9 submissions from 9 submitters: Uncertain significance (7); Likely benign (2). Last evaluated 2026-01-02.

Conditions:
DSP-related disorder. Also called: DSP-related condition; DSP-related disorders.
Cardiovascular phenotype. Identifiers: MedGen CN230736.
Woolly hair-skin fragility syndrome (WHSF). Identifiers: Orphanet 293165, MedGen C1843292, MONDO:0957307, OMIM 620415.
Lethal acantholytic epidermolysis bullosa (EBLA). Identifiers: Orphanet 158687, MedGen C1864826, MONDO:0012323, OMIM 609638.
Cardiomyopathy, dilated, with wooly hair, keratoderma, and tooth agenesis. Also called: Erythrokeratodermia-cardiomyopathy syndrome; Cardiomyopathy, dilated, with woolly hair, keratoderma, and tooth agenesis. Identifiers: Orphanet 476096, Orphanet 65282, MedGen C4014393, MONDO:0014355, OMIM 615821.
Keratosis palmoplantaris striata 2. Also called: Keratosis palmoplantaris striata II; KERATODERMA, PALMOPLANTAR, STRIATE FORM II; STRIATE PALMOPLANTAR KERATODERMA II. Identifiers: MedGen C1852127, MONDO:0013034, OMIM 612908.
Arrhythmogenic right ventricular dysplasia 8 (ARVD8). Also called: ARRHYTHMOGENIC RIGHT VENTRICULAR CARDIOMYOPATHY 8; ARRHYTHMOGENIC RIGHT VENTRICULAR DYSPLASIA, FAMILIAL, 8; Arrhythmogenic Right Ventricular Dysplasia/Cardiomyopathy 8. Identifiers: MedGen C1843896, MONDO:0011831, OMIM 607450.
Arrhythmogenic cardiomyopathy with wooly hair and keratoderma. Also called: Dilated cardiomyopathy with woolly hair and keratoderma; PALMOPLANTAR KERATODERMA WITH LEFT VENTRICULAR CARDIOMYOPATHY AND WOOLLY HAIR; Arrhythmogenic cardiomyopathy with woolly hair and keratoderma; Carvajal syndrome. Identifiers: Orphanet 65282, MedGen C1854063, MONDO:0011581, OMIM 605676.
Cardiomyopathy (CMYO). Also called: Cardiomyopathies. Identifiers: Orphanet 167848, MedGen C0878544, MONDO:0004994, HP:0001638. Inheritance: Various modes of inheritance.

Allele frequency attached by ClinVar (database versions not stated): gnomAD 0.00002 and 0.00003; ExAC 0.00003; gnomAD exomes 0.00004 and 0.00009; TOPMed 0.00005; ESP Exome Variant Server 0.00008.

Submissions (9):

PreventionGenetics, part of Exact Sciences
Classification: Uncertain significance for DSP-related condition. Last evaluated: 2026-01-02. Review status: criteria provided, single submitter. Criteria: ACMG Guidelines, 2015. Collection method: clinical testing. Allele origin: germline.
Comment: The DSP c.3877A>G variant is predicted to result in the amino acid substitution p.Ile1293Val. To our knowledge, this variant has not been reported in the literature. This variant is reported in 0.0047% of alleles in individuals of European (Non-Finnish) descent in gnomAD. At this time, the clinical significance of this variant is uncertain due to the absence of conclusive functional and genetic evidence.

Labcorp Genetics (formerly Invitae), Labcorp
Classification: Likely benign for Arrhythmogenic cardiomyopathy with wooly hair and keratoderma; Arrhythmogenic right ventricular dysplasia 8. Last evaluated: 2025-12-08. Review status: criteria provided, single submitter. Criteria: Invitae Variant Classification Sherloc (09022015). Collection method: clinical testing. Allele origin: germline.

Ambry Genetics
Classification: Likely benign for Cardiovascular phenotype. Last evaluated: 2024-12-20. Review status: criteria provided, single submitter. Criteria: Ambry Variant Classification Scheme 2023. Collection method: clinical testing. Allele origin: germline.

ARUP Laboratories, Molecular Genetics and Genomics, ARUP Laboratories
Classification: Uncertain significance. Last evaluated: 2024-10-31. Review status: criteria provided, single submitter. Criteria: ARUP Molecular Germline Variant Investigation Process 2024. Collection method: clinical testing. Allele origin: germline.
Comment: The DSP c.3877A>G; p.Ile1293Val variant (rs376555665), to our knowledge, is not reported in the medical literature but is reported in ClinVar (Variation ID: 263657). This variant is found in the general population with an overall allele frequency of 0.0035% (10/282,282 alleles) in the Genome Aggregation Database (v2.1.1). Computational analyses are uncertain whether this variant is neutral or deleterious (REVEL: 0.247). Due to limited information, the clinical significance of this variant is uncertain at this time.

All of Us Research Program, National Institutes of Health
Classification: Uncertain significance for Arrhythmogenic cardiomyopathy with wooly hair and keratoderma. Last evaluated: 2024-07-10. Review status: criteria provided, single submitter. Criteria: ACMG Guidelines, 2015. Collection method: clinical testing. Allele origin: germline. Inheritance: Autosomal dominant inheritance. Observed: 13 variant alleles, 13 heterozygotes.
Comment: This missense variant replaces isoleucine with valine at codon 1293 of the DSP protein. Computational prediction suggests that this variant may not impact protein structure and function (internally defined REVEL score threshold <= 0.5, PMID: 27666373). To our knowledge, functional studies have not been reported for this variant. This variant has not been reported in individuals affected with cardiovascular disorders in the literature. This variant has not been identified in the general population by the Genome Aggregation Database (gnomAD). The available evidence is insufficient to determine the role of this variant in disease conclusively. Therefore, this variant is classified as a Variant of Uncertain Significance.

This study involves interpretation of variants in research participants for the purpose of population health screening. Participant phenotype was not available at the time of variant classification. Additional details can be found in publication PMID: 35346344, PMCID: PMC8962531

GeneDx
Classification: Uncertain significance. Last evaluated: 2024-03-08. Review status: criteria provided, single submitter. Criteria: GeneDx Variant Classification Process June 2021. Collection method: clinical testing. Allele origin: germline. Affected: yes.
Comment: In silico analysis supports that this missense variant does not alter protein structure/function; Has not been previously published as pathogenic or benign to our knowledge

Color Diagnostics, LLC DBA Color Health
Classification: Uncertain significance for Cardiomyopathy. Last evaluated: 2024-03-06. Review status: criteria provided, single submitter. Criteria: ACMG Guidelines, 2015. Collection method: clinical testing. Allele origin: germline.
Comment: This missense variant replaces isoleucine with valine at codon 1293 of the DSP protein. Computational prediction suggests that this variant may not impact protein structure and function (internally defined REVEL score threshold <= 0.5, PMID: 27666373). To our knowledge, functional studies have not been reported for this variant. This variant has not been reported in individuals affected with cardiovascular disorders in the literature. This variant has not been identified in the general population by the Genome Aggregation Database (gnomAD). The available evidence is insufficient to determine the role of this variant in disease conclusively. Therefore, this variant is classified as a Variant of Uncertain Significance.

Fulgent Genetics
Classification: Uncertain significance for Arrhythmogenic cardiomyopathy with wooly hair and keratoderma; Arrhythmogenic right ventricular dysplasia 8; Lethal acantholytic epidermolysis bullosa; Keratosis palmoplantaris striata 2; Cardiomyopathy, dilated, with wooly hair, keratoderma, and tooth agenesis. Last evaluated: 2021-11-11. Review status: criteria provided, single submitter. Criteria: ACMG Guidelines, 2015. Collection method: clinical testing. Allele origin: unknown.

Stanford Center for Inherited Cardiovascular Disease, Stanford University
Classification: Uncertain significance. Last evaluated: 2016-05-16. Review status: criteria provided, single submitter. Criteria: ACMG Guidelines, 2015. Collection method: provider interpretation. Allele origin: germline.